The following is an entry in ClinVar:

NM_016013.4(NDUFAF1):c.218C>G (p.Ser73Cys)

Gene: NDUFAF1 (NADH:ubiquinone oxidoreductase complex assembly factor 1; minus strand). Cytogenetic location: 15q15.1.
Variant type: single nucleotide variant.
Coding change: c.218C>G on transcript NM_016013.4 (MANE Select); coding-DNA position 218, C replaced by G.
Protein change: p.Ser73Cys; replaces serine 73 with cysteine.
Molecular consequence: missense variant. On other transcripts: non-coding transcript variant (1).
Genome position (GRCh38, 1-based): chr15:41,396,842, G>C on the plus strand (C>G on the coding strand, the complement: NDUFAF1 is on the minus strand). VCF-style: chr15-41396842-G-C. GRCh37 (hg19) VCF-style: chr15-41689040-G-C.
Other names: short protein forms S73C.
Identifiers: ClinVar variation 1904354 (VCV001904354.5), dbSNP rs916186957, ClinGen allele CA269681265.
Genomic context (GRCh38, chr15:41,396,842, plus strand): 5'-TGGTATATTGCTTCATCTCTAATTGCTTTATCGAAACTAACATCAGGCTTCTCCTCAGAA[G>C]AAGTTATATCCAAAGCAACTTCTTTCTGGTGATCTCCTTGCAAATCCCCTTCAGTCTTCC-3'
Protein context (NP_057097.2, residues 63-83): HQKEVALDIT[Ser73Cys]SEEKPDVSFD

ClinVar aggregate classification (germline): Uncertain significance (1 of 4 stars; one submission).

Allele frequency attached by ClinVar (database versions not stated): TOPMed 0.00001.
gnomAD v4.1: 1 of 1,614,114 alleles (0.000062%); highest among the groups gnomAD compares: Admixed American, 0.0017%; no homozygotes.

Submission:

Labcorp Genetics (formerly Invitae), Labcorp
Classification: Uncertain significance. Last evaluated: 2024-01-05. Review status: criteria provided, single submitter. Criteria: Invitae Variant Classification Sherloc (09022015). Collection method: clinical testing. Allele origin: germline.
Comment: This sequence change replaces serine, which is neutral and polar, with cysteine, which is neutral and slightly polar, at codon 73 of the NDUFAF1 protein (p.Ser73Cys). This variant is present in population databases (no rsID available, gnomAD 0.003%). This variant has not been reported in the literature in individuals affected with NDUFAF1-related conditions. ClinVar contains an entry for this variant (Variation ID: 1904354). Advanced modeling of protein sequence and biophysical properties (such as structural, functional, and spatial information, amino acid conservation, physicochemical variation, residue mobility, and thermodynamic stability) performed at Invitae indicates that this missense variant is not expected to disrupt NDUFAF1 protein function with a negative predictive value of 80%. In summary, the available evidence is currently insufficient to determine the role of this variant in disease. Therefore, it has been classified as a Variant of Uncertain Significance.